The following is an entry in ClinVar:

ClinVar aggregate classification (germline): Benign. Review status: criteria provided, multiple submitters, no conflicts (2 of 4 stars). 11 submissions from 10 submitters: Benign (9). 2 of the submissions do not count toward it. Last evaluated 2026-02-04.

Conditions:
Glucocorticoid-remediable aldosteronism. Also called: Hyperaldosteronism, familial, type I; FH I; GLUCOCORTICOID-SUPPRESSIBLE HYPERALDOSTERONISM; ACTH-DEPENDENT HYPERALDOSTERONISM SYNDROME; ALDOSTERONISM, SENSITIVE TO DEXAMETHASONE. Identifiers: Orphanet 403, MedGen C3838731, MONDO:0007080, OMIM 103900.
Deficiency of steroid 11-beta-monooxygenase (CYP11B1). Also called: Congenital adrenal hyperplasia due to 11-beta-hydroxylase deficiency; ADRENAL HYPERPLASIA, CONGENITAL, DUE TO STEROID 11-BETA-HYDROXYLASE DEFICIENCY; 11-BETA-HYDROXYLASE DEFICIENCY; P450C11B1 DEFICIENCY; STEROID 11-BETA-HYDROXYLASE DEFICIENCY; ADRENAL HYPERPLASIA IV. Identifiers: Orphanet 90795, MedGen C0268292, MONDO:0008729, OMIM 202010. Disease mechanism: loss of function.

Allele frequency attached by ClinVar (database versions not stated): ESP Exome Variant Server 0.50769; gnomAD 0.52490 and 0.53369; TOPMed 0.52551; gnomAD exomes 0.55263 and 0.58090; ExAC 0.57238; 1000 Genomes Project 30x 0.58136; 1000 Genomes Project 0.58407.

Submissions (11):

Labcorp Genetics (formerly Invitae), Labcorp
Classification: Benign. Last evaluated: 2026-02-04. Review status: criteria provided, single submitter. Criteria: Invitae Variant Classification Sherloc (09022015). Collection method: clinical testing. Allele origin: germline.

Blueprint Genetics
Classification: Benign. Last evaluated: 2024-11-27. Review status: criteria provided, single submitter. Criteria: ACMG Guidelines, 2015. Collection method: clinical testing. Allele origin: germline.

Mayo Clinic Laboratories, Mayo Clinic
Classification: Benign. Last evaluated: 2022-03-09. Review status: criteria provided, single submitter. Criteria: ACMG Guidelines, 2015. Collection method: clinical testing. Allele origin: germline. Observed: 134 variant alleles.

Genome-Nilou Lab
Classification: Benign for Deficiency of steroid 11-beta-monooxygenase. Last evaluated: 2021-07-30. Review status: criteria provided, single submitter. Criteria: ACMG Guidelines, 2015. Collection method: clinical testing. Allele origin: germline. Affected: no.

GeneDx
Classification: Benign. Last evaluated: 2021-05-04. Review status: criteria provided, single submitter. Criteria: GeneDx Variant Classification Process June 2021. Collection method: clinical testing. Allele origin: germline. Affected: yes.

Department of Human Genetics, Laborarztpraxis Dres. Walther, Weindel und Kollegen
Classification: Benign for Deficiency of steroid 11-beta-monooxygenase. Last evaluated: 2020-04-17. Review status: criteria provided, single submitter. Criteria: ACMG Guidelines, 2015. Collection method: clinical testing. Allele origin: germline. Affected: yes.
Comment: This variant is classified as benign because the population frequency is too high to be a pathogenic mutation (>= 5%).

Illumina Laboratory Services, Illumina
Classification: Benign for Glucocorticoid-remediable aldosteronism. Last evaluated: 2018-01-13. Review status: criteria provided, single submitter. Criteria: ICSL Variant Classification Criteria 13 December 2019. Collection method: clinical testing. Allele origin: germline.
Comment: This variant was observed in the ICSL laboratory as part of a predisposition screen in an ostensibly healthy population. It had not been previously curated by ICSL or reported in the Human Gene Mutation Database (HGMD: prior to June 1st, 2018), and was therefore a candidate for classification through an automated scoring system. Utilizing variant allele frequency, disease prevalence and penetrance estimates, and inheritance mode, an automated score was calculated to assess if this variant is too frequent to cause the disease. Based on the score and internal cut-off values, a variant classified as benign is not then subjected to further curation. The score for this variant resulted in a classification of benign for this disease.

Illumina Laboratory Services, Illumina
Classification: Benign for Deficiency of steroid 11-beta-monooxygenase. Last evaluated: 2018-01-13. Review status: criteria provided, single submitter. Criteria: ICSL Variant Classification Criteria 13 December 2019. Collection method: clinical testing. Allele origin: germline.
Comment: the same text as in the submission from Illumina Laboratory Services, Illumina above.

Breakthrough Genomics
Classification: Benign. Review status: criteria provided, single submitter. Criteria: ACMG Guidelines, 2015. Collection method: not provided. Allele origin: germline. Inheritance: Autosomal recessive inheritance. Affected: yes.

Diagnostic Laboratory, Department of Genetics, University Medical Center Groningen
Classification: Benign. Review status: no assertion criteria provided. Collection method: clinical testing. Allele origin: germline. Affected: yes. Study: VKGL Data-share Consensus. Not counted in ClinVar's aggregate classification.

Joint Genome Diagnostic Labs from Nijmegen and Maastricht, Radboudumc and MUMC+
Classification: Benign. Review status: no assertion criteria provided. Collection method: clinical testing. Allele origin: germline. Affected: yes. Study: VKGL Data-share Consensus. Not counted in ClinVar's aggregate classification.

NM_000497.4(CYP11B1):c.225A>G (p.Leu75=)

Gene: CYP11B1 (cytochrome P450 family 11 subfamily B member 1; minus strand). Cytogenetic location: 8q24.3.
Variant type: single nucleotide variant.
Coding change: c.225A>G on transcript NM_000497.4 (MANE Select); coding-DNA position 225, A replaced by G.
Protein change: p.Leu75=; no amino-acid change (leucine 75 retained).
Molecular consequence: synonymous variant.
Genome position (GRCh38, 1-based): chr8:142,879,589, T>C on the plus strand (A>G on the coding strand, the complement: CYP11B1 is on the minus strand). VCF-style: chr8-142879589-T-C. GRCh37 (hg19) VCF-style: chr8-143961005-T-C.
Other names: p.Leu75=; c.225A>G, p.Leu75= (NM_001026213.1).
Identifiers: ClinVar variation 362169 (VCV000362169.29), dbSNP rs6410, ClinGen allele CA4905677.